The following is an entry in ClinVar:

NM_000051.4(ATM):c.1932A>G (p.Ser644=)

Gene: ATM (ATM serine/threonine kinase; plus strand). Cytogenetic location: 11q22.3.
Variant type: single nucleotide variant.
Coding change: c.1932A>G on transcript NM_000051.4 (MANE Select); coding-DNA position 1932, A replaced by G.
Protein change: p.Ser644=; no amino-acid change (serine 644 retained).
Molecular consequence: synonymous variant.
Genome position (GRCh38, 1-based): chr11:108,253,847, A>G. VCF-style: chr11-108253847-A-G. GRCh37 (hg19) VCF-style: chr11-108124574-A-G.
Other names: c.1932A>G, p.Ser644= (NM_001351834.2).
Identifiers: ClinVar variation 2697889 (VCV002697889.5), dbSNP rs1241804364, ClinGen allele CA476672341.

ClinVar aggregate classification (germline): Benign/Likely benign. Review status: criteria provided, multiple submitters, no conflicts (2 of 4 stars). 3 submissions from 3 submitters: Benign (1); Likely benign (2). Last evaluated 2025-05-05.

Conditions:
Familial cancer of breast. Also called: BREAST CANCER, FAMILIAL; Hereditary breast cancer; hereditary breast carcinoma. Identifiers: Orphanet 227535, MedGen C0346153, MONDO:0016419, OMIM 114480. Disease mechanism: loss of function.
Hereditary cancer-predisposing syndrome. Also called: Hereditary Cancer Syndrome; Hereditary neoplastic syndrome; Neoplastic Syndromes, Hereditary; Tumor predisposition. Identifiers: Orphanet 140162, MedGen C0027672, MeSH D009386, MONDO:0015356.
Ataxia-telangiectasia syndrome (AT). Also called: Cerebello-oculocutaneous telangiectasia; Immunodeficiency with ataxia telangiectasia; Ataxia-telangiectasia, complementation group E; LOUIS-BAR SYNDROME; Ataxia telangiectasia (A-T); AT, COMPLEMENTATION GROUP C. Identifiers: Orphanet 100, MedGen C0004135, MONDO:0008840, OMIM 208900.

Allele frequency attached by ClinVar (database versions not stated): gnomAD exomes below 0.00001.
gnomAD v4.1: 2 of 1,613,898 alleles (0.00012%); highest among the groups gnomAD compares: Non-Finnish European, 0.000085%; no homozygotes.

Submissions (3):

Labcorp Genetics (formerly Invitae), Labcorp
Classification: Likely benign for Ataxia-telangiectasia syndrome. Last evaluated: 2025-05-05. Review status: criteria provided, single submitter. Criteria: Invitae Variant Classification Sherloc (09022015). Collection method: clinical testing. Allele origin: germline.

Myriad Genetics, Inc.
Classification: Benign for Familial cancer of breast. Last evaluated: 2024-05-02. Review status: criteria provided, single submitter. Criteria: Myriad Autosomal Dominant, Autosomal Recessive and X-Linked Classification Criteria (2023). Collection method: clinical testing. Allele origin: unknown.
Comment: This variant is considered benign. This variant is a silent/synonymous amino acid change and it is not expected to impact splicing.

Ambry Genetics
Classification: Likely benign for Hereditary cancer-predisposing syndrome. Last evaluated: 2024-02-26. Review status: criteria provided, single submitter. Criteria: Ambry Variant Classification Scheme 2023. Collection method: clinical testing. Allele origin: germline.